The following is an entry in ClinVar:

ClinVar aggregate classification (germline): Likely benign. Review status: criteria provided, single submitter (1 of 4 stars). 2 submissions from 2 submitters: Likely benign (1). 1 of the submissions does not count toward it. Last evaluated 2026-06-01.

Conditions:
RREB1-related disorder. Also called: RREB1-related condition.

Allele frequency attached by ClinVar (database versions not stated): ExAC 0.00008; gnomAD exomes 0.00013; gnomAD 0.00022; TOPMed 0.00024; ESP Exome Variant Server 0.00039.
gnomAD v4.1: 227 of 1,610,970 alleles (0.014%); highest among the groups gnomAD compares: African/African-American, 0.06%; no homozygotes.

Submissions (2):

CeGaT Center for Human Genetics Tuebingen
Classification: Likely benign. Last evaluated: 2026-06-01. Review status: criteria provided, single submitter. Criteria: CeGaT Center For Human Genetics Tuebingen Variant Classification Criteria Version 2. Collection method: clinical testing. Allele origin: germline. Affected: yes. Observed: 1 variant allele.
Comment: RREB1: BP4, BP7

PreventionGenetics, part of Exact Sciences
Classification: Likely benign for RREB1-related condition. Last evaluated: 2019-03-05. Review status: no assertion criteria provided. Collection method: clinical testing. Allele origin: germline. Not counted in ClinVar's aggregate classification.
Comment: This variant is classified as likely benign based on ACMG/AMP sequence variant interpretation guidelines (Richards et al. 2015 PMID: 25741868, with internal and published modifications).

NM_001003699.4(RREB1):c.1587C>T (p.Asn529=)

Gene: RREB1 (ras responsive element binding protein 1; plus strand). Cytogenetic location: 6p24.3.
Variant type: single nucleotide variant.
Coding change: c.1587C>T on transcript NM_001003699.4 (MANE Select); coding-DNA position 1587, C replaced by T.
Protein change: p.Asn529=; no amino-acid change (asparagine 529 retained).
Molecular consequence: synonymous variant.
Genome position (GRCh38, 1-based): chr6:7,229,686, C>T. VCF-style: chr6-7229686-C-T. GRCh37 (hg19) VCF-style: chr6-7229919-C-T.
Other names: c.1587C>T, p.Asn529= (NM_001003698.4, NM_001003700.2, NM_001168344.2).
Identifiers: ClinVar variation 3058004 (VCV003058004.4), dbSNP rs141534505, ClinGen allele CA3625581.